The following is an entry in ClinVar:

ClinVar aggregate classification (germline): Uncertain significance. Review status: criteria provided, multiple submitters, no conflicts (2 of 4 stars). 3 submissions from 3 submitters: Uncertain significance (3). Last evaluated 2025-12-17.

Conditions:
Inborn genetic diseases. Identifiers: MedGen C0950123, MeSH D030342.

Allele frequency attached by ClinVar (database versions not stated): TOPMed 0.00004.
gnomAD v4.1: 38 of 1,614,058 alleles (0.0024%); highest among the groups gnomAD compares: Admixed American, 0.012%; no homozygotes.

Submissions (3):

Labcorp Genetics (formerly Invitae), Labcorp
Classification: Uncertain significance. Last evaluated: 2025-12-17. Review status: criteria provided, single submitter. Criteria: Invitae Variant Classification Sherloc (09022015). Collection method: clinical testing. Allele origin: germline.
Comment: This sequence change replaces arginine, which is basic and polar, with glutamine, which is neutral and polar, at codon 928 of the MERTK protein (p.Arg928Gln). This variant is present in population databases (rs762299005, gnomAD 0.002%). This variant has not been reported in the literature in individuals affected with MERTK-related conditions. ClinVar contains an entry for this variant (Variation ID: 1018265). Invitae Evidence Modeling of protein sequence and biophysical properties (such as structural, functional, and spatial information, amino acid conservation, physicochemical variation, residue mobility, and thermodynamic stability) indicates that this missense variant is expected to disrupt MERTK protein function with a positive predictive value of 80%. In summary, the available evidence is currently insufficient to determine the role of this variant in disease. Therefore, it has been classified as a Variant of Uncertain Significance.

Blueprint Genetics
Classification: Uncertain significance. Last evaluated: 2022-04-29. Review status: criteria provided, single submitter. Criteria: ACMG Guidelines, 2015. Collection method: clinical testing. Allele origin: germline.

Ambry Genetics
Classification: Uncertain significance for Inborn genetic diseases. Last evaluated: 2022-02-17. Review status: criteria provided, single submitter. Criteria: Ambry Variant Classification Scheme 2023. Collection method: clinical testing. Allele origin: germline.
Comment: The c.2783G>A (p.R928Q) alteration is located in exon 19 (coding exon 19) of the MERTK gene. This alteration results from a G to A substitution at nucleotide position 2783, causing the arginine (R) at amino acid position 928 to be replaced by a glutamine (Q). The altered amino acid is conserved throughout evolution:_x000D_ _x000D_ The p.R928 amino acid is conserved in available vertebrate species. The alteration is predicted deleterious by in silico models:_x000D_ _x000D_ The p.R928Q alteration is predicted to be possibly damaging by Polyphen and deleterious by SIFT in silico analyses. Based on insufficient or conflicting evidence, the clinical significance of this alteration remains unclear.

NM_006343.3(MERTK):c.2783G>A (p.Arg928Gln)

Gene: MERTK (MER proto-oncogene, tyrosine kinase; plus strand). Cytogenetic location: 2q13.
Variant type: single nucleotide variant.
Coding change: c.2783G>A on transcript NM_006343.3 (MANE Select); coding-DNA position 2783, G replaced by A.
Protein change: p.Arg928Gln; replaces arginine 928 with glutamine.
Molecular consequence: missense variant.
Genome position (GRCh38, 1-based): chr2:112,028,647, G>A. VCF-style: chr2-112028647-G-A. GRCh37 (hg19) VCF-style: chr2-112786224-G-A.
Other names: c.2783G>A (NM_006343.2); short protein forms R928Q.
Identifiers: ClinVar variation 1018265 (VCV001018265.7), dbSNP rs762299005, ClinGen allele CA1831973.